The following is an entry in ClinVar:

NM_018192.4(P3H2):c.1993G>A (p.Val665Met)

Gene: P3H2 (prolyl 3-hydroxylase 2; minus strand). Cytogenetic location: 3q28.
Variant type: single nucleotide variant.
Coding change: c.1993G>A on transcript NM_018192.4 (MANE Select); coding-DNA position 1993, G replaced by A.
Protein change: p.Val665Met; replaces valine 665 with methionine.
Molecular consequence: missense variant.
Genome position (GRCh38, 1-based): chr3:189,963,999, C>T on the plus strand (G>A on the coding strand, the complement: P3H2 is on the minus strand). VCF-style: chr3-189963999-C-T. GRCh37 (hg19) VCF-style: chr3-189681788-C-T.
Other names: c.1450G>A, p.Val484Met (NM_001134418.2); short protein forms V484M, V665M.
Identifiers: ClinVar variation 953376 (VCV000953376.7), dbSNP rs771726888, ClinGen allele CA2752701.

ClinVar aggregate classification (germline): Uncertain significance. Review status: criteria provided, multiple submitters, no conflicts (2 of 4 stars). 3 submissions from 3 submitters: Uncertain significance (3). Last evaluated 2024-06-13.

Conditions:
Inborn genetic diseases. Identifiers: MedGen C0950123, MeSH D030342.

Allele frequency attached by ClinVar (database versions not stated): gnomAD 0.00001 and 0.00002; gnomAD exomes 0.00001; ExAC 0.00002; TOPMed 0.00002.
gnomAD v4.1: 7 of 1,614,040 alleles (0.00043%); highest among the groups gnomAD compares: African/African-American, 0.004%; no homozygotes.

Submissions (3):

Ambry Genetics
Classification: Uncertain significance for Inborn genetic diseases. Last evaluated: 2024-06-13. Review status: criteria provided, single submitter. Criteria: Ambry Variant Classification Scheme 2023. Collection method: clinical testing. Allele origin: germline.

Blueprint Genetics
Classification: Uncertain significance. Last evaluated: 2022-11-03. Review status: criteria provided, single submitter. Criteria: ACMG Guidelines, 2015. Collection method: clinical testing. Allele origin: germline.

Labcorp Genetics (formerly Invitae), Labcorp
Classification: Uncertain significance. Last evaluated: 2022-06-13. Review status: criteria provided, single submitter. Criteria: Invitae Variant Classification Sherloc (09022015). Collection method: clinical testing. Allele origin: germline.
Comment: This variant has not been reported in the literature in individuals affected with P3H2-related conditions. This sequence change replaces valine, which is neutral and non-polar, with methionine, which is neutral and non-polar, at codon 665 of the P3H2 protein (p.Val665Met). This variant is present in population databases (rs771726888, gnomAD 0.007%). ClinVar contains an entry for this variant (Variation ID: 953376). Algorithms developed to predict the effect of missense changes on protein structure and function are either unavailable or do not agree on the potential impact of this missense change (SIFT: "Deleterious"; PolyPhen-2: "Possibly Damaging"; Align-GVGD: "Class C0"). In summary, the available evidence is currently insufficient to determine the role of this variant in disease. Therefore, it has been classified as a Variant of Uncertain Significance.